The following is an entry in ClinVar:

ClinVar aggregate classification (germline): Uncertain significance (1 of 4 stars; one submission).

Conditions:
Cardiovascular phenotype. Identifiers: MedGen CN230736.

gnomAD v4.1: 1 of 1,613,656 alleles (0.000062%); highest among the groups gnomAD compares: Non-Finnish European, 0.000085%; no homozygotes.

Submission:

Ambry Genetics
Classification: Uncertain significance for Cardiovascular phenotype. Last evaluated: 2025-11-22. Review status: criteria provided, single submitter. Criteria: Ambry Variant Classification Scheme 2023. Collection method: clinical testing. Allele origin: germline.
Comment: The p.V2454L variant (also known as c.7360G>C), located in coding exon 20 of the TNXB gene, results from a G to C substitution at nucleotide position 7360. The valine at codon 2454 is replaced by leucine, an amino acid with highly similar properties. This amino acid position is conserved. In addition, this alteration is predicted to be tolerated by in silico analysis. Based on the available evidence, the clinical significance of this variant remains unclear.

NM_001365276.2(TNXB):c.7360G>C (p.Val2454Leu)

Gene: TNXB (tenascin XB; minus strand). Cytogenetic location: 6p21.33.
Variant type: single nucleotide variant.
Coding change: c.7360G>C on transcript NM_001365276.2 (MANE Select); coding-DNA position 7360, G replaced by C.
Protein change: p.Val2454Leu; replaces valine 2454 with leucine.
Molecular consequence: missense variant.
Genome position (GRCh38, 1-based): chr6:32,061,529, C>G on the plus strand (G>C on the coding strand, the complement: TNXB is on the minus strand). VCF-style: chr6-32061529-C-G. GRCh37 (hg19) VCF-style: chr6-32029306-C-G.
Other names: c.7360G>C, p.Val2454Leu (NM_019105.8); c.8101G>C, p.Val2701Leu (NM_001428335.1); short protein forms V2701L, V2454L.
Identifiers: ClinVar variation 4615180 (VCV004615180.1).
Genomic context (GRCh38, chr6:32,061,529, plus strand): 5'-TGCGCCCAGGCTCCAGGCCCCCCACGGTGACCTCGCTCTCCTCGCCCCCAACACGCACCA[C>G]CTGGGGCCGCCCGTCCCTGTCCTTGTACTGCACGGTGAAGGAGTCGAAGCGGCCCTGGGG-3'
Protein context (NP_001352205.1, residues 2444-2464): QYKDRDGRPQ[Val2454Leu]VRVGGEESEV